The following is an entry in ClinVar:

ClinVar aggregate classification (germline): Uncertain significance (1 of 4 stars; one submission).

Submission:

GeneDx
Classification: Uncertain significance. Last evaluated: 2023-01-30. Review status: criteria provided, single submitter. Criteria: GeneDx Variant Classification Process June 2021. Collection method: clinical testing. Allele origin: germline. Affected: yes.
Comment: Not observed at significant frequency in large population cohorts (gnomAD); In silico analysis supports that this missense variant has a deleterious effect on protein structure/function; Has not been previously published as pathogenic or benign to our knowledge; Variants in candidate genes are classified as variants of uncertain significance in accordance with ACMG guidelines (Richards et al., 2015)

NM_001003699.4(RREB1):c.5048A>T (p.Asp1683Val)

Gene: RREB1 (ras responsive element binding protein 1; plus strand). Cytogenetic location: 6p24.3.
Variant type: single nucleotide variant.
Coding change: c.5048A>T on transcript NM_001003699.4 (MANE Select); coding-DNA position 5048, A replaced by T.
Protein change: p.Asp1683Val; replaces aspartic acid 1683 with valine.
Molecular consequence: missense variant.
Genome position (GRCh38, 1-based): chr6:7,248,787, A>T. VCF-style: chr6-7248787-A-T. GRCh37 (hg19) VCF-style: chr6-7249020-A-T.
Other names: c.4883A>T, p.Asp1628Val (NM_001003698.4, NM_001168344.2); c.4250A>T, p.Asp1417Val (NM_001003700.2); short protein forms D1628V, D1417V, D1683V.
Identifiers: ClinVar variation 4055798 (VCV004055798.1).